The following is an entry in ClinVar:

NM_000027.4(AGA):c.473G>A (p.Trp158Ter)

Gene: AGA (aspartylglucosaminidase; minus strand). Cytogenetic location: 4q34.3.
Variant type: single nucleotide variant.
Coding change: c.473G>A on transcript NM_000027.4 (MANE Select); coding-DNA position 473, G replaced by A.
Protein change: p.Trp158Ter; replaces tryptophan 158 with a stop codon.
Molecular consequence: nonsense. On other transcripts: non-coding transcript variant (1).
Genome position (GRCh38, 1-based): chr4:177,438,779, C>T on the plus strand (G>A on the coding strand, the complement: AGA is on the minus strand). VCF-style: chr4-177438779-C-T. GRCh37 (hg19) VCF-style: chr4-178359933-C-T.
Other names: c.473G>A, p.Trp158Ter (NM_001171988.2); short protein forms W158*.
Identifiers: ClinVar variation 370266 (VCV000370266.8), dbSNP rs745976989, ClinGen allele CA3146912.

ClinVar aggregate classification (germline): Pathogenic/Likely pathogenic. Review status: criteria provided, multiple submitters, no conflicts (2 of 4 stars). 3 submissions from 3 submitters: Pathogenic (1); Likely pathogenic (1). 1 of the submissions does not count toward it. Last evaluated 2023-02-04.

Conditions:
AGA-related disorder. Also called: AGA-related condition.
Aspartylglucosaminuria (AGU). Also called: Aspartylglucos-aminuria; Aspartylglucos-amidase (AGA) deficiency; GLYCOASPARAGINASE; GLYCOSYLASPARAGINASE DEFICIENCY; AGA DEFICIENCY. Identifiers: Orphanet 93, MedGen C0268225, MONDO:0008830, OMIM 208400, HP:0012068.

Allele frequency attached by ClinVar (database versions not stated): gnomAD exomes below 0.00001 and 0.00001; ExAC 0.00001.

Submissions (3):

Labcorp Genetics (formerly Invitae), Labcorp
Classification: Pathogenic for Aspartylglucosaminuria. Last evaluated: 2023-02-04. Review status: criteria provided, single submitter. Criteria: Invitae Variant Classification Sherloc (09022015). Collection method: clinical testing. Allele origin: germline.
Comment: ClinVar contains an entry for this variant (Variation ID: 370266). This variant is present in population databases (rs745976989, gnomAD 0.006%). This variant has not been reported in the literature in individuals affected with AGA-related conditions. For these reasons, this variant has been classified as Pathogenic. This sequence change creates a premature translational stop signal (p.Trp158*) in the AGA gene. It is expected to result in an absent or disrupted protein product. Loss-of-function variants in AGA are known to be pathogenic (PMID: 7627186, 11309371).

Blueprint Genetics
Classification: Likely pathogenic for AGA-related disorders. Last evaluated: 2021-11-08. Review status: criteria provided, single submitter. Criteria: ACMG Guidelines, 2015. Collection method: clinical testing. Allele origin: germline. Affected: yes. Observed: 2 variant alleles.

Counsyl
Classification: Likely pathogenic for Aspartylglucosaminuria. Last evaluated: 2015-12-30. Review status: no assertion criteria provided. Collection method: clinical testing. Allele origin: unknown. Not counted in ClinVar's aggregate classification.

Literature cited by the submitters: PubMed 7627186 (cited by Labcorp Genetics (formerly Invitae), Labcorp); PubMed 11309371 (cited by Labcorp Genetics (formerly Invitae), Labcorp).